The following is an entry in ClinVar:

NM_005732.4(RAD50):c.2058_2059del (p.Arg686fs)

Gene: RAD50 (RAD50 double strand break repair protein; plus strand). Cytogenetic location: 5q31.1.
Variant type: Microsatellite.
Coding change: c.2058_2059del on transcript NM_005732.4 (MANE Select); coding-DNA positions 2058 to 2059, 2 bases deleted (AG; older notation c.2058_2059delAG).
Protein change: p.Arg686fs; shifts the reading frame from arginine 686.
Molecular consequence: frameshift variant.
Genome position (GRCh38, 1-based): chr5:132,595,661-132,595,662, AG deleted; deleting any 2 consecutive bases within chr5:132,595,657-132,595,662 gives the same sequence; the c. name uses the placement nearest the transcript's 3' end. VCF-style (leftmost placement, unchanged base first): chr5-132595656-CAG-C. GRCh37 (hg19) VCF-style: chr5-131931348-CAG-C.
Other names: c.2058_2059del (NM_005732.3); short protein forms R686fs.
Identifiers: ClinVar variation 820618 (VCV000820618.12), dbSNP rs1580997021, ClinGen allele CA915943557.

ClinVar aggregate classification (germline): Pathogenic. Review status: criteria provided, multiple submitters, no conflicts (2 of 4 stars). 2 submissions from 2 submitters: Pathogenic (2). Last evaluated 2023-04-15.

Conditions:
Hereditary cancer-predisposing syndrome. Also called: Neoplastic Syndromes, Hereditary; Tumor predisposition; Hereditary Cancer Syndrome; Hereditary neoplastic syndrome. Identifiers: Orphanet 140162, MedGen C0027672, MeSH D009386, MONDO:0015356.

Submissions (2):

Labcorp Genetics (formerly Invitae), Labcorp
Classification: Pathogenic for Hereditary cancer-predisposing syndrome. Last evaluated: 2023-04-15. Review status: criteria provided, single submitter. Criteria: Invitae Variant Classification Sherloc (09022015). Collection method: clinical testing. Allele origin: germline.
Comment: This variant is not present in population databases (gnomAD no frequency). This sequence change creates a premature translational stop signal (p.Arg686Serfs*7) in the RAD50 gene. It is expected to result in an absent or disrupted protein product. Loss-of-function variants in RAD50 are known to be pathogenic (PMID: 19409520). This variant has not been reported in the literature in individuals affected with RAD50-related conditions. For these reasons, this variant has been classified as Pathogenic. ClinVar contains an entry for this variant (Variation ID: 820618).

Ambry Genetics
Classification: Pathogenic for Hereditary cancer-predisposing syndrome. Last evaluated: 2019-09-04. Review status: criteria provided, single submitter. Criteria: Ambry Variant Classification Scheme 2023. Collection method: clinical testing. Allele origin: germline.
Comment: The c.2058_2059delAG pathogenic mutation, located in coding exon 13 of the RAD50 gene, results from a deletion of two nucleotides at nucleotide positions 2058 to 2059, causing a translational frameshift with a predicted alternate stop codon (p.R686Sfs*7). This alteration is expected to result in loss of function by premature protein truncation or nonsense-mediated mRNA decay. As such, this alteration is interpreted as a disease-causing mutation.

Literature cited by the submitters: PubMed 19409520 (cited by Labcorp Genetics (formerly Invitae), Labcorp).